The following is an entry in ClinVar:

ClinVar aggregate classification (germline): Uncertain significance (1 of 4 stars; one submission).

gnomAD v4.1: 2 of 1,613,508 alleles (0.00012%); highest among the groups gnomAD compares: South Asian, 0.0011%; no homozygotes.

Submission:

Labcorp Genetics (formerly Invitae), Labcorp
Classification: Uncertain significance. Last evaluated: 2022-06-27. Review status: criteria provided, single submitter. Criteria: Invitae Variant Classification Sherloc (09022015). Collection method: clinical testing. Allele origin: germline.
Comment: Algorithms developed to predict the effect of missense changes on protein structure and function are either unavailable or do not agree on the potential impact of this missense change (SIFT: "Deleterious"; PolyPhen-2: "Benign"; Align-GVGD: "Class C0"). In summary, the available evidence is currently insufficient to determine the role of this variant in disease. Therefore, it has been classified as a Variant of Uncertain Significance. This variant has not been reported in the literature in individuals affected with HOXB13-related conditions. This variant is not present in population databases (gnomAD no frequency). This sequence change replaces serine, which is neutral and polar, with phenylalanine, which is neutral and non-polar, at codon 31 of the HOXB13 protein (p.Ser31Phe).

NM_006361.6(HOXB13):c.92C>T (p.Ser31Phe)

Gene: HOXB13 (homeobox B13; minus strand). Cytogenetic location: 17q21.32.
Variant type: single nucleotide variant.
Coding change: c.92C>T on transcript NM_006361.6 (MANE Select); coding-DNA position 92, C replaced by T.
Protein change: p.Ser31Phe; replaces serine 31 with phenylalanine.
Molecular consequence: missense variant.
Genome position (GRCh38, 1-based): chr17:48,728,502, G>A on the plus strand (C>T on the coding strand, the complement: HOXB13 is on the minus strand). VCF-style: chr17-48728502-G-A. GRCh37 (hg19) VCF-style: chr17-46805864-G-A.
Other names: short protein forms S31F.
Identifiers: ClinVar variation 1515001 (VCV001515001.4), dbSNP rs758169931, ClinGen allele CA400109427.